The following is an entry in ClinVar:

ClinVar aggregate classification (germline): Pathogenic (1 of 4 stars; one submission).

Conditions:
Inborn genetic diseases. Identifiers: MedGen C0950123, MeSH D030342.

Submission:

Ambry Genetics
Classification: Pathogenic for Inborn genetic diseases. Last evaluated: 2025-11-07. Review status: criteria provided, single submitter. Criteria: Ambry Variant Classification Scheme 2023. Collection method: clinical testing. Allele origin: germline.
Comment: The c.2951dupA (p.N984Kfs*5) alteration, located in exon 10 (coding exon 10) of the ARID1B gene, consists of a duplication of A at position 2951, causing a translational frameshift with a predicted alternate stop codon after 5 amino acids. This alteration is expected to result in loss of function by premature protein truncation or nonsense-mediated mRNA decay. This variant was not reported in population-based cohorts in the Genome Aggregation Database (gnomAD). Based on the available evidence, this alteration is classified as pathogenic.

NM_020732.3:c.2951dupA

Gene: ARID1B (AT-rich interaction domain 1B; plus strand).
Variant type: Duplication.
Other names: c.2951dupA (NM_020732.3).
Identifiers: ClinVar variation 4584851 (VCV004584851.1).